The following is an entry in ClinVar:

ClinVar aggregate classification (germline): Uncertain significance. Review status: criteria provided, multiple submitters, no conflicts (2 of 4 stars). 4 submissions from 4 submitters: Uncertain significance (4). Last evaluated 2026-04-14.

Conditions:
Familial intrahepatic cholestasis. Identifiers: Orphanet 284385, MedGen CN296401, MONDO:0017290.
Progressive familial intrahepatic cholestasis (PFIC). Also called: Progressive family intrahepatic cholestasis; Progressive intrahepatic cholestasis. Identifiers: Orphanet 172, MedGen C0268312, MONDO:0015762.

gnomAD v4.1: 1 of 1,613,146 alleles (0.000062%); highest among the groups gnomAD compares: Non-Finnish European, 0.000085%; no homozygotes.

Submissions (4):

Genomenon, Inc
Classification: Uncertain significance for Familial intrahepatic cholestasis. Last evaluated: 2026-04-14. Review status: criteria provided, single submitter. Criteria: Genomenon Sequence Variant Interpretation Standards - Updated. Collection method: curation. Allele origin: germline. Affected: yes.
Comment: ABCB11 p.Ala277Glu (c.830C>A) is a missense variant that changes the amino acid at residue 277 from Alanine to Glutamic acid. This variant has been observed in at least one proband with an ABCB11-related disorder (PMID:21766090). The variant was found to segregate with disease in at least one affected family (PMID:21766090). It is absent or not present at a significant frequency in gnomAD. In silico models predict that this variant is possibly or probably damaging. In conclusion, we classify ABCB11 p.Ala277Glu (c.830C>A) as a variant of uncertain significance.

Broad Center for Mendelian Genomics, Broad Institute of MIT and Harvard
Classification: Uncertain significance for Progressive familial intrahepatic cholestasis. Last evaluated: 2025-02-05. Review status: criteria provided, single submitter. Criteria: ACMG Guidelines, 2015. Collection method: curation. Allele origin: germline. Inheritance: Autosomal recessive inheritance.
Comment: The p.Ala277Glu variant in ABCB11 has been reported in one individual with BSEP deficiency (PMID: 21766090), and has been identified in 0.00008% (1/1179384) of European (non-Finnish) chromosomes by the Genome Aggregation Database (gnomAD; dbSNP rs1558912790). Although this variant has been seen in the general population in a heterozygous state, its frequency is low enough to be consistent with a recessive carrier frequency. Computational prediction tools and conservation analyses suggest that this variant may impact the protein, though this information is not predictive enough to determine pathogenicity. In summary the clinical significance of the p.Ala277Glu variant is uncertain. ACMG/AMP Criteria applied: PP3_moderate, PM2_supporting (Richards 2015).

Mayo Clinic Laboratories, Mayo Clinic
Classification: Uncertain significance. Last evaluated: 2021-12-16. Review status: criteria provided, single submitter. Criteria: ACMG Guidelines, 2015. Collection method: clinical testing. Allele origin: germline.

Eurofins Ntd Llc (ga)
Classification: Uncertain significance. Last evaluated: 2018-07-27. Review status: criteria provided, single submitter. Criteria: EGL ClinVar v180209 classification definitions. Collection method: clinical testing. Allele origin: germline. Observed: 1 variant allele, 1 heterozygote.

Literature cited by the submitters: PubMed 21766090 (cited by Genomenon, Inc).

NM_003742.4(ABCB11):c.830C>A (p.Ala277Glu)

Gene: ABCB11 (ATP binding cassette subfamily B member 11; minus strand). Cytogenetic location: 2q31.1.
Variant type: single nucleotide variant.
Coding change: c.830C>A on transcript NM_003742.4 (MANE Select); coding-DNA position 830, C replaced by A.
Protein change: p.Ala277Glu; replaces alanine 277 with glutamic acid.
Molecular consequence: missense variant.
Genome position (GRCh38, 1-based): chr2:168,990,879, G>T on the plus strand (C>A on the coding strand, the complement: ABCB11 is on the minus strand). VCF-style: chr2-168990879-G-T. GRCh37 (hg19) VCF-style: chr2-169847389-G-T.
Other names: p.Ala277Glu; NM_003742.4(ABCB11):c.830C>A; c.830C>A, p.Ala277Glu (LRG_1199t1); short protein forms A277E.
Identifiers: ClinVar variation 598181 (VCV000598181.9), dbSNP rs1558912790, ClinGen allele CA349125659.